The following is an entry in ClinVar:

ClinVar aggregate classification (germline): Benign/Likely benign. Review status: criteria provided, multiple submitters, no conflicts (2 of 4 stars). 3 submissions from 3 submitters: Benign (1); Likely benign (2). Last evaluated 2026-01-12.

Conditions:
IDS-related disorder. Also called: IDS-related condition.
Mucopolysaccharidosis, MPS-II (MPS2). Also called: IDURONATE 2-SULFATASE DEFICIENCY; Mucopolysaccharidosis Type II; Attenuated MPS (subtype; formerly known as mild MPS II); Severe MPS II; I2S deficiency; MPS 2. Identifiers: Orphanet 580, Orphanet 79388, MedGen C0026705, MONDO:0010674, OMIM 309900.

Allele frequency attached by ClinVar (database versions not stated): gnomAD exomes 0.00005 and 0.00011; ExAC 0.00009; gnomAD 0.00015 and 0.00016; TOPMed 0.00017; 1000 Genomes Project 30x 0.00021; 1000 Genomes Project 0.00026; ESP Exome Variant Server 0.00028.
gnomAD v4.1: 67 of 1,209,886 alleles (0.0055%); highest among the groups gnomAD compares: African/African-American, 0.059%; no homozygotes.

Submissions (3):

PreventionGenetics, part of Exact Sciences
Classification: Likely benign for IDS-related condition. Last evaluated: 2026-01-12. Review status: criteria provided, single submitter. Criteria: ACMG Guidelines, 2015. Collection method: clinical testing. Allele origin: germline.
Comment: This variant is classified as likely benign based on ACMG/AMP sequence variant interpretation guidelines (Richards et al. 2015 PMID: 25741868, with internal and published modifications).

Labcorp Genetics (formerly Invitae), Labcorp
Classification: Benign for Mucopolysaccharidosis, MPS-II. Last evaluated: 2025-12-08. Review status: criteria provided, single submitter. Criteria: Invitae Variant Classification Sherloc (09022015). Collection method: clinical testing. Allele origin: germline.

CeGaT Center for Human Genetics Tuebingen
Classification: Likely benign. Last evaluated: 2025-11-01. Review status: criteria provided, single submitter. Criteria: CeGaT Center For Human Genetics Tuebingen Variant Classification Criteria Version 2. Collection method: clinical testing. Allele origin: germline. Affected: yes. Observed: 1 variant allele.
Comment: IDS: BS2

NM_000202.8(IDS):c.1490A>G (p.Tyr497Cys)

Gene: IDS (iduronate 2-sulfatase; minus strand). Cytogenetic location: Xq28.
Variant type: single nucleotide variant.
Coding change: c.1490A>G on transcript NM_000202.8 (MANE Select); coding-DNA position 1490, A replaced by G.
Protein change: p.Tyr497Cys; replaces tyrosine 497 with cysteine.
Molecular consequence: missense variant.
Genome position (GRCh38, 1-based): chrX:149,482,909, T>C on the plus strand (A>G on the coding strand, the complement: IDS is on the minus strand). VCF-style: chrX-149482909-T-C. GRCh37 (hg19) VCF-style: chrX-148564440-T-C.
Other names: c.1220A>G, p.Tyr407Cys (NM_001166550.4); c.1490A>G (NM_000202.7); short protein forms Y407C, Y497C.
Identifiers: ClinVar variation 772689 (VCV000772689.18), dbSNP rs142248439, ClinGen allele CA10537438.